The following is an entry in ClinVar:

NM_006379.5(SEMA3C):c.1044G>A (p.Val348=)

Gene: SEMA3C (semaphorin 3C; minus strand). Cytogenetic location: 7q21.11.
Variant type: single nucleotide variant.
Coding change: c.1044G>A on transcript NM_006379.5 (MANE Select); coding-DNA position 1044, G replaced by A.
Protein change: p.Val348=; no amino-acid change (valine 348 retained).
Molecular consequence: synonymous variant.
Genome position (GRCh38, 1-based): chr7:80,798,179, C>T on the plus strand (G>A on the coding strand, the complement: SEMA3C is on the minus strand). VCF-style: chr7-80798179-C-T. GRCh37 (hg19) VCF-style: chr7-80427495-C-T.
Other names: c.1098G>A, p.Val366= (NM_001350120.2); c.870G>A, p.Val290= (NM_001350121.2).
Identifiers: ClinVar variation 4990866 (VCV004990866.1).
Genomic context (GRCh38, chr7:80,798,179, plus strand): 5'-GCCCTGATAGGAAATCAGCTGATGATTGGGCCCTTCTTTGTGGGCAAAAGGCCCATTAAA[C>T]ACAGTCTGTATATCAGATAAATGATACACACACACGGCTGATCCTTTGAAAACTGAGCTA-3'
Protein context (NP_006370.1, residues 338-358): CVYHLSDIQT[Val348=]FNGPFAHKEG

ClinVar aggregate classification (germline): Likely benign (1 of 4 stars; one submission).

Conditions:
SEMA3C-related disorder. Also called: SEMA3C-related condition.

Submission:

PreventionGenetics, part of Exact Sciences
Classification: Likely benign for SEMA3C-related condition. Last evaluated: 2026-06-22. Review status: criteria provided, single submitter. Criteria: ACMG Guidelines, 2015. Collection method: clinical testing. Allele origin: germline.
Comment: This variant is classified as likely benign based on ACMG/AMP sequence variant interpretation guidelines (Richards et al. 2015 PMID: 25741868, with internal and published modifications).